The following is an entry in ClinVar:

ClinVar aggregate classification (germline): Uncertain significance. Review status: criteria provided, multiple submitters, no conflicts (2 of 4 stars). 2 submissions from 2 submitters: Uncertain significance (2). Last evaluated 2024-08-12.

Conditions:
Inborn genetic diseases. Identifiers: MedGen C0950123, MeSH D030342.

Allele frequency attached by ClinVar (database versions not stated): TOPMed 0.00005.
gnomAD v4.1: 181 of 1,614,044 alleles (0.011%); highest among the groups gnomAD compares: South Asian, 0.12%; 3 homozygotes.

Submissions (2):

Labcorp Genetics (formerly Invitae), Labcorp
Classification: Uncertain significance. Last evaluated: 2024-08-12. Review status: criteria provided, single submitter. Criteria: Invitae Variant Classification Sherloc (09022015). Collection method: clinical testing. Allele origin: germline.
Comment: This sequence change replaces arginine, which is basic and polar, with glycine, which is neutral and non-polar, at codon 199 of the TMEM199 protein (p.Arg199Gly). This variant is present in population databases (rs782066320, gnomAD 0.1%). This variant has not been reported in the literature in individuals affected with TMEM199-related conditions. ClinVar contains an entry for this variant (Variation ID: 2044842). An algorithm developed to predict the effect of missense changes on protein structure and function (PolyPhen-2) suggests that this variant is likely to be disruptive. Algorithms developed to predict the effect of sequence changes on RNA splicing suggest that this variant may disrupt the consensus splice site. In summary, the available evidence is currently insufficient to determine the role of this variant in disease. Therefore, it has been classified as a Variant of Uncertain Significance.

Ambry Genetics
Classification: Uncertain significance for Inborn genetic diseases. Last evaluated: 2021-10-29. Review status: criteria provided, single submitter. Criteria: Ambry Variant Classification Scheme 2023. Collection method: clinical testing. Allele origin: germline.

NM_152464.3(VMA12):c.595C>G (p.Arg199Gly)

Gene: VMA12 (vacuolar ATPase assembly factor VMA12; plus strand). Cytogenetic location: 17q11.2.
Variant type: single nucleotide variant.
Coding change: c.595C>G on transcript NM_152464.3 (MANE Select); coding-DNA position 595, C replaced by G.
Protein change: p.Arg199Gly; replaces arginine 199 with glycine.
Molecular consequence: missense variant.
Genome position (GRCh38, 1-based): chr17:28,361,220, C>G. VCF-style: chr17-28361220-C-G. GRCh37 (hg19) VCF-style: chr17-26688242-C-G.
Other names: short protein forms R199G.
Identifiers: ClinVar variation 2044842 (VCV002044842.4), dbSNP rs782066320, ClinGen allele CA8457153.